The following is an entry in ClinVar:

NM_025243.4(SLC19A3):c.503C>T (p.Ser168Leu)

Gene: SLC19A3 (solute carrier family 19 member 3; minus strand). Cytogenetic location: 2q36.3.
Variant type: single nucleotide variant.
Coding change: c.503C>T on transcript NM_025243.4 (MANE Select); coding-DNA position 503, C replaced by T.
Protein change: p.Ser168Leu; replaces serine 168 with leucine.
Molecular consequence: missense variant.
Genome position (GRCh38, 1-based): chr2:227,699,212, G>A on the plus strand (C>T on the coding strand, the complement: SLC19A3 is on the minus strand). VCF-style: chr2-227699212-G-A. GRCh37 (hg19) VCF-style: chr2-228563928-G-A.
Other names: c.503C>T, p.Ser168Leu (NM_001371411.1, NM_001371412.1); c.491C>T, p.Ser164Leu (NM_001371413.1, NM_001371414.1); short protein forms S164L, S168L.
Identifiers: ClinVar variation 1713565 (VCV001713565.6), dbSNP rs139611208, ClinGen allele CA2149284.

ClinVar aggregate classification (germline): Uncertain significance (1 of 4 stars; one submission).

Conditions:
Biotin-responsive basal ganglia disease (BTBGD). Also called: Thiamine Transporter-2 Deficiency; Thiamine metabolism dysfunction syndrome type 2; THIAMINE METABOLISM DYSFUNCTION SYNDROME 2 (BIOTIN- AND THIAMINE-RESPONSIVE TYPE); Thiamine metabolism dysfunction syndrome 2 (biotin- or thiamine-responsive encephalopathy type 2); thiamine-responsive encephalopathy. Identifiers: Orphanet 199348, Orphanet 65284, MedGen C1843807, MONDO:0011841, OMIM 607483.

Allele frequency attached by ClinVar (database versions not stated): gnomAD exomes below 0.00001.

Submission:

Labcorp Genetics (formerly Invitae), Labcorp
Classification: Uncertain significance for Biotin-responsive basal ganglia disease. Last evaluated: 2022-07-23. Review status: criteria provided, single submitter. Criteria: Invitae Variant Classification Sherloc (09022015). Collection method: clinical testing. Allele origin: germline.
Comment: In summary, the available evidence is currently insufficient to determine the role of this variant in disease. Therefore, it has been classified as a Variant of Uncertain Significance. Algorithms developed to predict the effect of missense changes on protein structure and function (SIFT, PolyPhen-2, Align-GVGD) all suggest that this variant is likely to be tolerated. This variant has not been reported in the literature in individuals affected with SLC19A3-related conditions. This variant is not present in population databases (gnomAD no frequency). This sequence change replaces serine, which is neutral and polar, with leucine, which is neutral and non-polar, at codon 168 of the SLC19A3 protein (p.Ser168Leu).